The following is an entry in ClinVar:

NM_020433.5(JPH2):c.2015C>T (p.Pro672Leu)

Gene: JPH2 (junctophilin 2; minus strand). Cytogenetic location: 20q13.12.
Variant type: single nucleotide variant.
Coding change: c.2015C>T on transcript NM_020433.5 (MANE Select); coding-DNA position 2015, C replaced by T.
Protein change: p.Pro672Leu; replaces proline 672 with leucine.
Molecular consequence: missense variant.
Genome position (GRCh38, 1-based): chr20:44,114,872, G>A on the plus strand (C>T on the coding strand, the complement: JPH2 is on the minus strand). VCF-style: chr20-44114872-G-A. GRCh37 (hg19) VCF-style: chr20-42743512-G-A.
Other names: short protein forms P672L.
Identifiers: ClinVar variation 2586441 (VCV002586441.2), dbSNP rs1304425572, ClinGen allele CA409099471.

ClinVar aggregate classification (germline): Uncertain significance (1 of 4 stars; one submission).

Conditions:
Cardiovascular phenotype. Identifiers: MedGen CN230736.

Allele frequency attached by ClinVar (database versions not stated): gnomAD exomes below 0.00001; gnomAD 0.00001; TOPMed 0.00001.
gnomAD v4.1: 2 of 1,600,822 alleles (0.00012%); highest among the groups gnomAD compares: South Asian, 0.0011%; no homozygotes.

Submission:

Ambry Genetics
Classification: Uncertain significance for Cardiovascular phenotype. Last evaluated: 2023-06-29. Review status: criteria provided, single submitter. Criteria: Ambry Variant Classification Scheme 2023. Collection method: clinical testing. Allele origin: germline.
Comment: The p.P672L variant (also known as c.2015C>T), located in coding exon 5 of the JPH2 gene, results from a C to T substitution at nucleotide position 2015. The proline at codon 672 is replaced by leucine, an amino acid with similar properties. This amino acid position is conserved. In addition, the in silico prediction for this alteration is inconclusive. Since supporting evidence is limited at this time, the clinical significance of this alteration remains unclear.